The following is an entry in ClinVar:

ClinVar aggregate classification (germline): Uncertain significance (0 of 4 stars; one submission).

Conditions:
BBS9-related disorder. Also called: BBS9-related condition.

gnomAD v4.1: 7 of 1,613,564 alleles (0.00043%); highest among the groups gnomAD compares: African/African-American, 0.008%; no homozygotes.

Submission:

PreventionGenetics, part of Exact Sciences
Classification: Uncertain significance for BBS9-related condition. Last evaluated: 2024-03-23. Review status: no assertion criteria provided. Collection method: clinical testing. Allele origin: germline.
Comment: The BBS9 c.739G>C variant is predicted to result in the amino acid substitution p.Asp247His. To our knowledge, this variant has not been reported in the literature. This variant is reported in 0.0080% of alleles in individuals of African descent in gnomAD. At this time, the clinical significance of this variant is uncertain due to the absence of conclusive functional and genetic evidence.

NM_198428.3(BBS9):c.739G>C (p.Asp247His)

Gene: BBS9 (Bardet-Biedl syndrome 9; plus strand). Cytogenetic location: 7p14.3.
Variant type: single nucleotide variant.
Coding change: c.739G>C on transcript NM_198428.3 (MANE Select); coding-DNA position 739, G replaced by C.
Protein change: p.Asp247His; replaces aspartic acid 247 with histidine.
Molecular consequence: missense variant. On other transcripts: non-coding transcript variant (3).
Genome position (GRCh38, 1-based): chr7:33,273,048, G>C. VCF-style: chr7-33273048-G-C. GRCh37 (hg19) VCF-style: chr7-33312660-G-C.
Other names: c.739G>C, p.Asp247His (NM_001033604.2, NM_001033605.2, NM_001348036.1 and 5 more transcripts); c.373G>C, p.Asp125His (NM_001348037.3, NM_001348044.3, NM_001348045.3 and 1 more transcripts); c.466G>C, p.Asp156His (NM_001348038.3, NM_001348039.3); c.604G>C, p.Asp202His (NM_001348042.3); short protein forms D125H, D156H, D202H, D247H.
Identifiers: ClinVar variation 3354996 (VCV003354996.1).